The following is an entry in ClinVar:

ClinVar aggregate classification (germline): Likely pathogenic (0 of 4 stars; one submission).

Conditions:
Short-rib thoracic dysplasia 6 with or without polydactyly (SRTD6). Also called: POLYDACTYLY WITH NEONATAL CHONDRODYSTROPHY, TYPE II; Majewski Syndrome; SHORT RIB-POLYDACTYLY SYNDROME, TYPE IIA; SHORT-RIB THORACIC DYSPLASIA 6 WITH POLYDACTYLY; SHORT-RIB THORACIC DYSPLASIA 6 WITHOUT POLYDACTYLY. Identifiers: MedGen C0024507, MONDO:0009894, OMIM 263520.

Submission:

Medical Genetics Center, Maternal and Child Health Hospital of Hubei Province
Classification: Likely pathogenic for Short-rib thoracic dysplasia 6 with or without polydactyly. Last evaluated: 2026-05-14. Review status: no assertion criteria provided. Collection method: clinical testing. Allele origin: maternal. Affected: yes.
Comment: PVS1+PM2_Supporting

NM_001199397.3(NEK1):c.2251C>T (p.Gln751Ter)

Gene: NEK1 (NIMA related kinase 1; minus strand). Cytogenetic location: 4q33.
Variant type: single nucleotide variant.
Coding change: c.2251C>T on transcript NM_001199397.3 (MANE Select); coding-DNA position 2251, C replaced by T.
Protein change: p.Gln751Ter; replaces glutamine 751 with a stop codon.
Molecular consequence: nonsense. On other transcripts: non-coding transcript variant (1).
Genome position (GRCh38, 1-based): chr4:169,477,307, G>A on the plus strand (C>T on the coding strand, the complement: NEK1 is on the minus strand). VCF-style: chr4-169477307-G-A. GRCh37 (hg19) VCF-style: chr4-170398458-G-A.
Other names: c.2119C>T, p.Gln707Ter (NM_001199398.3, NM_001440622.1); c.1960C>T, p.Gln654Ter (NM_001199399.3); c.2035C>T, p.Gln679Ter (NM_001199400.3, NM_001440623.1); c.2251C>T, p.Gln751Ter (NM_001374418.1, NM_001440620.1); c.2167C>T, p.Gln723Ter (NM_001374419.1, NM_001440621.1, NM_012224.4); c.2116C>T, p.Gln706Ter (NM_001374420.1); c.1945C>T, p.Gln649Ter (NM_001374421.1); c.1546C>T, p.Gln516Ter (NM_001440624.1); and 1 more; short protein forms Q472*, Q516*, Q649*, Q654*, Q679*, Q706*, Q707*, Q723*.
Identifiers: ClinVar variation 4852529 (VCV004852529.1).